The following is an entry in ClinVar:

ClinVar aggregate classification (germline): Likely pathogenic (1 of 4 stars; one submission).

Submission:

Labcorp Genetics (formerly Invitae), Labcorp
Classification: Likely pathogenic. Last evaluated: 2022-08-20. Review status: criteria provided, single submitter. Criteria: Invitae Variant Classification Sherloc (09022015). Collection method: clinical testing. Allele origin: germline.
Comment: In summary, the currently available evidence indicates that the variant is pathogenic, but additional data are needed to prove that conclusively. Therefore, this variant has been classified as Likely Pathogenic. Algorithms developed to predict the effect of sequence changes on RNA splicing suggest that this variant may disrupt the consensus splice site. This variant has not been reported in the literature in individuals affected with RGS9-related conditions. This variant is not present in population databases (gnomAD no frequency). This sequence change affects an acceptor splice site in intron 5 of the RGS9 gene. It is expected to disrupt RNA splicing. Variants that disrupt the donor or acceptor splice site typically lead to a loss of protein function (PMID: 16199547), and loss-of-function variants in RGS9 are known to be pathogenic (PMID: 11262419, 14702087).

Literature cited by the submitters: PubMed 16199547; PubMed 11262419; PubMed 14702087.

NM_003835.4(RGS9):c.365-2A>G

Gene: RGS9 (regulator of G protein signaling 9; plus strand). Cytogenetic location: 17q24.1.
Variant type: single nucleotide variant.
Coding change: c.365-2A>G on transcript NM_003835.4 (MANE Select); the canonical splice acceptor site of the intron before coding-DNA position 365, A replaced by G.
Molecular consequence: splice acceptor variant.
Genome position (GRCh38, 1-based): chr17:65,160,849, A>G. VCF-style: chr17-65160849-A-G. GRCh37 (hg19) VCF-style: chr17-63156967-A-G.
Other names: c.365-2A>G (NM_001081955.3, NM_001165933.2).
Identifiers: ClinVar variation 2021041 (VCV002021041.4), dbSNP rs2509368564, ClinGen allele CA400664650.